The following is an entry in ClinVar:

NM_000059.4(BRCA2):c.2266del (p.Gln756fs)

Gene: BRCA2 (BRCA2 DNA repair associated; plus strand). Cytogenetic location: 13q13.1.
Variant type: Deletion.
Coding change: c.2266del on transcript NM_000059.4 (MANE Select); coding-DNA position 2266, one base deleted (C; older notation c.2266delC).
Protein change: p.Gln756fs; shifts the reading frame from glutamine 756.
Molecular consequence: frameshift variant.
Genome position (GRCh38, 1-based): chr13:32,336,621, C deleted; the last of 3 consecutive C bases (chr13:32,336,619-32,336,621); deleting any one gives the same sequence. VCF-style (leftmost placement, unchanged base first): chr13-32336618-TC-T. GRCh37 (hg19) VCF-style: chr13-32910755-TC-T.
Other names: short protein forms Q756fs.
Identifiers: ClinVar variation 1402919 (VCV001402919.6), dbSNP rs886040418, ClinGen allele CA2573149374.
Genomic context (GRCh38, chr13:32,336,618, plus strand): 5'-GCTGCAGCATGTCACCCAGTACAACATTCAAAAGTGGAATACAGTGATACTGACTTTCAA[TC>T]CCAGAAAAGTCTTTTATATGATCATGAAAATGCCAGCACTCTTATTTTAACTCCTACTTC-3'

ClinVar aggregate classification (germline): Pathogenic (1 of 4 stars; one submission).

Conditions:
Hereditary breast ovarian cancer syndrome. Also called: Hereditary breast and ovarian cancer syndrome; BRCA1- and BRCA2-Associated Hereditary Breast and Ovarian Cancer; Breast and ovarian cancer; Hereditary breast and/or ovarian cancer syndrome; Hereditary breast and ovarian cancer syndrome (HBOC); Hereditary breast and ovarian cancer. Identifiers: Orphanet 145, MedGen C0677776, MeSH D061325, MONDO:0003582. Disease mechanism: loss of function.

Submission:

Labcorp Genetics (formerly Invitae), Labcorp
Classification: Pathogenic for Hereditary breast ovarian cancer syndrome. Last evaluated: 2021-04-10. Review status: criteria provided, single submitter. Criteria: Invitae Variant Classification Sherloc (09022015). Collection method: clinical testing. Allele origin: germline.
Comment: For these reasons, this variant has been classified as Pathogenic. This variant has not been reported in the literature in individuals with BRCA2-related conditions. This variant is not present in population databases (ExAC no frequency). This sequence change creates a premature translational stop signal (p.Gln756Argfs*16) in the BRCA2 gene. It is expected to result in an absent or disrupted protein product. Loss-of-function variants in BRCA2 are known to be pathogenic (PMID: 20104584).

Literature cited by the submitters: PubMed 20104584.